The following is an entry in ClinVar:

NM_000051.4(ATM):c.9086_9096del (p.Gly3029fs)

Genes: ATM (ATM serine/threonine kinase; plus strand), C11orf65 (chromosome 11 open reading frame 65; minus strand). Cytogenetic location: 11q22.3.
Variant type: Deletion.
Coding change: c.9086_9096del on transcript NM_000051.4 (MANE Select); coding-DNA positions 9086 to 9096, 11 bases deleted (GTGGACAAGTG).
Protein change: p.Gly3029fs; shifts the reading frame from glycine 3029.
Molecular consequence: frameshift variant. On other transcripts: intron variant (2).
Genome position (GRCh38, 1-based): chr11:108,365,423-108,365,433, GTGGACAAGTG deleted; deleting any 11 consecutive bases within chr11:108,365,421-108,365,433 gives the same sequence; the c. name uses the placement nearest the transcript's 3' end. VCF-style (leftmost placement, unchanged base first): chr11-108365420-TTGGTGGACAAG-T. GRCh37 (hg19) VCF-style: chr11-108236147-TTGGTGGACAAG-T.
Other names: c.9086_9096del, p.Gly3029fs (NM_001351834.2); c.640+20489_640+20499del (NM_001330368.2); c.694+20489_694+20499del (NM_001351110.2); short protein forms G3029fs.
Identifiers: ClinVar variation 1454931 (VCV001454931.12), dbSNP rs2137919004, ClinGen allele CA2573146534.

ClinVar aggregate classification (germline): Pathogenic/Likely pathogenic. Review status: criteria provided, multiple submitters, no conflicts (2 of 4 stars). 3 submissions from 3 submitters: Pathogenic (2); Likely pathogenic (1). Last evaluated 2025-09-05.

Conditions:
Hereditary cancer-predisposing syndrome. Also called: Tumor predisposition; Neoplastic Syndromes, Hereditary; Hereditary Cancer Syndrome; Hereditary neoplastic syndrome. Identifiers: Orphanet 140162, MedGen C0027672, MeSH D009386, MONDO:0015356.
Familial cancer of breast. Also called: BREAST CANCER, FAMILIAL; Hereditary breast cancer; hereditary breast carcinoma. Identifiers: Orphanet 227535, MedGen C0346153, MONDO:0016419, OMIM 114480. Disease mechanism: loss of function.
Ataxia-telangiectasia syndrome (AT). Also called: Ataxia-telangiectasia; LOUIS-BAR SYNDROME; Ataxia-telangiectasia, complementation group D; AT, COMPLEMENTATION GROUP C; ATAXIA-TELANGIECTASIA, COMPLEMENTATION GROUP A; ATAXIA-TELANGIECTASIA, FRESNO VARIANT. Identifiers: Orphanet 100, MedGen C0004135, MONDO:0008840, OMIM 208900.

Submissions (3):

Ambry Genetics
Classification: Pathogenic for Hereditary cancer-predisposing syndrome. Last evaluated: 2025-09-05. Review status: criteria provided, single submitter. Criteria: Ambry Variant Classification Scheme 2023. Collection method: clinical testing. Allele origin: germline.
Comment: The c.9086_9096del11 pathogenic mutation, located in coding exon 62 of the ATM gene, results from a deletion of 11 nucleotides at nucleotide positions 9086 to 9096, causing a translational frameshift with a predicted alternate stop codon (p.G3029Efs*30). This alteration occurs at the 3' terminus of thegene, is not expected to trigger nonsense-mediated mRNAdecay and results in the elongation of the protein by 1 amino acid. This frameshift impacts the last 28amino acids of the native protein. However, frameshifts are typically deleterious in nature and the impacted region is critical for protein function (Ambry internal data). This variant is considered to be rare based on population cohorts in the Genome Aggregation Database (gnomAD). Based on the supporting evidence, this variant is interpreted as a disease-causing mutation.

Myriad Genetics, Inc.
Classification: Likely pathogenic for Familial cancer of breast. Last evaluated: 2024-02-06. Review status: criteria provided, single submitter. Criteria: Myriad Autosomal Dominant, Autosomal Recessive and X-Linked Classification Criteria (2023). Collection method: clinical testing. Allele origin: unknown.
Comment: This variant is considered likely pathogenic. This variant creates a frameshift predicted to result in the incorporation of abnormal amino acid sequence into the protein product and abnormal protein elongation. This variant has been reported in multiple individuals with clinical features of gene-specific disease [PMID: 16266405, 25614872, 15039971, 21965147].

Labcorp Genetics (formerly Invitae), Labcorp
Classification: Pathogenic for Ataxia-telangiectasia syndrome. Last evaluated: 2022-06-10. Review status: criteria provided, single submitter. Criteria: Invitae Variant Classification Sherloc (09022015). Collection method: clinical testing. Allele origin: germline.
Comment: This variant has not been reported in the literature in individuals affected with ATM-related conditions. This variant is not present in population databases (gnomAD no frequency). This sequence change results in a frameshift in the ATM gene (p.Gly3029Glufs*30). While this is not anticipated to result in nonsense mediated decay, it is expected to disrupt the last 28 amino acid(s) of the ATM protein and extend the protein by 1 additional amino acid residues. For these reasons, this variant has been classified as Pathogenic. This variant disrupts a region of the ATM protein in which other variant(s) (p.Phe3049Profs*13) have been determined to be pathogenic (PMID: 10817650, 16603769, 19781682). This suggests that this is a clinically significant region of the protein, and that variants that disrupt it are likely to be disease-causing.

Literature cited by the submitters: PubMed 16266405 (cited by Myriad Genetics, Inc.); PubMed 25614872 (cited by Myriad Genetics, Inc.); PubMed 15039971 (cited by Myriad Genetics, Inc.); PubMed 21965147 (cited by Myriad Genetics, Inc.); PubMed 10817650 (cited by Labcorp Genetics (formerly Invitae), Labcorp); PubMed 16603769 (cited by Labcorp Genetics (formerly Invitae), Labcorp); PubMed 19781682 (cited by Labcorp Genetics (formerly Invitae), Labcorp).